The following is an entry in ClinVar:

ClinVar aggregate classification (germline): Likely benign. Review status: criteria provided, multiple submitters, no conflicts (2 of 4 stars). 5 submissions from 5 submitters: Likely benign (5). Last evaluated 2025-11-02.

Conditions:
Melnick-Needles syndrome (MNS). Also called: MELNICK-NEEDLES OSTEODYSPLASTY; OSTEODYSPLASTY OF MELNICK AND NEEDLES; Melnick-Needles Syndrome (FLNA-MNS). Identifiers: Orphanet 2484, MedGen C0025237, MONDO:0010650, OMIM 309350.
Oto-palato-digital syndrome, type II (OPD2). Also called: OPD II SYNDROME; Otopalatodigital Syndrome Type 2 (FLNA-OPD2); FACIOPALATOOSSEOUS SYNDROME; Otopalatodigital Syndrome, Type II. Identifiers: Orphanet 669, Orphanet 90652, MedGen C1844696, MONDO:0010571, OMIM 304120.
Frontometaphyseal dysplasia (FMD1). Identifiers: Orphanet 1826, MedGen C0265293, MONDO:0015942.
Heterotopia, periventricular, X-linked dominant (PVNH1). Also called: PERIVENTRICULAR NODULAR HETEROTOPIA 1; X-linked periventricular heterotopia; PERIVENTRICULAR NODULAR HETEROTOPIA 4; HETEROTOPIA, PERIVENTRICULAR, 1. Identifiers: Orphanet 2149, Orphanet 82004, MedGen C1848213, MONDO:0010233, OMIM 300049.
Familial thoracic aortic aneurysm and aortic dissection (TAAD). Also called: Thoracic aortic aneurysms and dissections. Identifiers: Orphanet 91387, MedGen C4707243, MONDO:0019625.

Allele frequency attached by ClinVar (database versions not stated): gnomAD exomes 0.00004 and 0.00005; ExAC 0.00005; gnomAD 0.00001 and 0.00002; TOPMed 0.00006; ESP Exome Variant Server 0.00010.
gnomAD v4.1: 45 of 1,208,679 alleles (0.0037%); highest among the groups gnomAD compares: East Asian, 0.0059%; no homozygotes.

Submissions (5):

Labcorp Genetics (formerly Invitae), Labcorp
Classification: Likely benign for Oto-palato-digital syndrome, type II; Heterotopia, periventricular, X-linked dominant; Frontometaphyseal dysplasia; Melnick-Needles syndrome. Last evaluated: 2025-11-02. Review status: criteria provided, single submitter. Criteria: Invitae Variant Classification Sherloc (09022015). Collection method: clinical testing. Allele origin: germline.

Blueprint Genetics
Classification: Likely benign. Last evaluated: 2024-03-15. Review status: criteria provided, single submitter. Criteria: ACMG Guidelines, 2015. Collection method: clinical testing. Allele origin: germline.

Ambry Genetics
Classification: Likely benign for Familial thoracic aortic aneurysm and aortic dissection. Last evaluated: 2023-01-12. Review status: criteria provided, single submitter. Criteria: Ambry Variant Classification Scheme 2023. Collection method: clinical testing. Allele origin: germline.

CeGaT Center for Human Genetics Tuebingen
Classification: Likely benign. Last evaluated: 2023-01-01. Review status: criteria provided, single submitter. Criteria: CeGaT Center For Human Genetics Tuebingen Variant Classification Criteria Version 2. Collection method: clinical testing. Allele origin: germline. Affected: yes. Observed: 1 variant allele.
Comment: FLNA: BP4, BP7, BS2

GeneDx
Classification: Likely benign. Last evaluated: 2021-05-23. Review status: criteria provided, single submitter. Criteria: GeneDx Variant Classification Process June 2021. Collection method: clinical testing. Allele origin: germline. Affected: yes.

NM_001110556.2(FLNA):c.4917C>T (p.Thr1639=)

Gene: FLNA (filamin A; minus strand). Cytogenetic location: Xq28.
Variant type: single nucleotide variant.
Coding change: c.4917C>T on transcript NM_001110556.2 (MANE Select); coding-DNA position 4917, C replaced by T.
Protein change: p.Thr1639=; no amino-acid change (threonine 1639 retained).
Molecular consequence: synonymous variant.
Genome position (GRCh38, 1-based): chrX:154,357,462, G>A on the plus strand (C>T on the coding strand, the complement: FLNA is on the minus strand). VCF-style: chrX-154357462-G-A. GRCh37 (hg19) VCF-style: chrX-153585830-G-A.
Other names: c.4917C>T, p.Thr1639= (NM_001456.4).
Identifiers: ClinVar variation 413397 (VCV000413397.38), dbSNP rs370608721, ClinGen allele CA10560444.